The following is an entry in ClinVar:

ClinVar aggregate classification (germline): Uncertain significance (1 of 4 stars; one submission).

Conditions:
Hereditary cancer-predisposing syndrome. Also called: Neoplastic Syndromes, Hereditary; Tumor predisposition; Hereditary Cancer Syndrome; Hereditary neoplastic syndrome. Identifiers: Orphanet 140162, MedGen C0027672, MeSH D009386, MONDO:0015356.

Submission:

Ambry Genetics
Classification: Uncertain significance for Hereditary cancer-predisposing syndrome. Last evaluated: 2024-03-23. Review status: criteria provided, single submitter. Criteria: Ambry Variant Classification Scheme 2023. Collection method: clinical testing. Allele origin: germline.
Comment: The p.Y16C variant (also known as c.47A>G), located in coding exon 1 of the BRIP1 gene, results from an A to G substitution at nucleotide position 47. The tyrosine at codon 16 is replaced by cysteine, an amino acid with highly dissimilar properties. This amino acid position is poorly conserved in available vertebrate species. In addition, this alteration is predicted to be tolerated by in silico analysis. Since supporting evidence is limited at this time, the clinical significance of this alteration remains unclear.

NM_032043.3(BRIP1):c.47A>G (p.Tyr16Cys)

Gene: BRIP1 (BRCA1 interacting DNA helicase 1; minus strand). Cytogenetic location: 17q23.2.
Variant type: single nucleotide variant.
Coding change: c.47A>G on transcript NM_032043.3 (MANE Select); coding-DNA position 47, A replaced by G.
Protein change: p.Tyr16Cys; replaces tyrosine 16 with cysteine.
Molecular consequence: missense variant.
Genome position (GRCh38, 1-based): chr17:61,861,493, T>C on the plus strand (A>G on the coding strand, the complement: BRIP1 is on the minus strand). VCF-style: chr17-61861493-T-C. GRCh37 (hg19) VCF-style: chr17-59938854-T-C.
Other names: short protein forms Y16C.
Identifiers: ClinVar variation 140944 (VCV000140944.6), dbSNP rs587781387, ClinGen allele CA163990.
Genomic context (GRCh38, chr17:61,861,493, plus strand): 5'-TGAAAAATACTTACAGAATTCATCATAGCAAGCTGTGACGGGTAAGCTTTATAAGGAAAG[T>C]AAATCTTCACCCCACCAATTGTATATTCAGACCACATTGAAGACATAGTGCTTTCCTGTT-3'
Protein context (NP_114432.2, residues 6-26): SEYTIGGVKI[Tyr16Cys]FPYKAYPSQL